The following is an entry in ClinVar:

NM_001276270.2(MBD4):c.1451T>C (p.Val484Ala)

Gene: MBD4 (methyl-CpG binding domain 4, DNA glycosylase; minus strand). Cytogenetic location: 3q21.3.
Variant type: single nucleotide variant.
Coding change: c.1451T>C on transcript NM_001276270.2 (MANE Select); coding-DNA position 1451, T replaced by C.
Protein change: p.Val484Ala; replaces valine 484 with alanine.
Molecular consequence: missense variant.
Genome position (GRCh38, 1-based): chr3:129,433,190, A>G on the plus strand (T>C on the coding strand, the complement: MBD4 is on the minus strand). VCF-style: chr3-129433190-A-G. GRCh37 (hg19) VCF-style: chr3-129152033-A-G.
Other names: c.1469T>C, p.Val490Ala (NM_001276271.2, NM_001276272.2, NM_003925.3); c.515T>C, p.Val172Ala (NM_001276273.2); short protein forms V172A, V484A, V490A.
Identifiers: ClinVar variation 2274349 (VCV002274349.4), dbSNP rs1056697984, ClinGen allele CA82627235.

ClinVar aggregate classification (germline): Uncertain significance. Review status: criteria provided, multiple submitters, no conflicts (2 of 4 stars). 2 submissions from 2 submitters: Uncertain significance (2). Last evaluated 2024-04-13.

Conditions:
Inborn genetic diseases. Identifiers: MedGen C0950123, MeSH D030342.

Allele frequency attached by ClinVar (database versions not stated): gnomAD exomes below 0.00001.

Submissions (2):

Labcorp Genetics (formerly Invitae), Labcorp
Classification: Uncertain significance. Last evaluated: 2024-04-13. Review status: criteria provided, single submitter. Criteria: Invitae Variant Classification Sherloc (09022015). Collection method: clinical testing. Allele origin: germline.
Comment: This sequence change replaces valine, which is neutral and non-polar, with alanine, which is neutral and non-polar, at codon 490 of the MBD4 protein (p.Val490Ala). This variant is not present in population databases (gnomAD no frequency). This variant has not been reported in the literature in individuals affected with MBD4-related conditions. ClinVar contains an entry for this variant (Variation ID: 2274349). Algorithms developed to predict the effect of missense changes on protein structure and function output the following: SIFT: "Not Available"; PolyPhen-2: "Benign"; Align-GVGD: "Not Available". The alanine amino acid residue is found in multiple mammalian species, which suggests that this missense change does not adversely affect protein function. In summary, the available evidence is currently insufficient to determine the role of this variant in disease. Therefore, it has been classified as a Variant of Uncertain Significance.

Ambry Genetics
Classification: Uncertain significance for Inborn genetic diseases. Last evaluated: 2022-01-27. Review status: criteria provided, single submitter. Criteria: Ambry Variant Classification Scheme 2023. Collection method: clinical testing. Allele origin: germline.